The following is an entry in ClinVar:

NM_001009944.3(PKD1):c.7582T>C (p.Tyr2528His)

Gene: PKD1 (polycystin 1, transient receptor potential channel interacting; minus strand). Cytogenetic location: 16p13.3.
Variant type: single nucleotide variant.
Coding change: c.7582T>C on transcript NM_001009944.3 (MANE Select); coding-DNA position 7582, T replaced by C.
Protein change: p.Tyr2528His; replaces tyrosine 2528 with histidine.
Molecular consequence: missense variant.
Genome position (GRCh38, 1-based): chr16:2,106,212, A>G on the plus strand (T>C on the coding strand, the complement: PKD1 is on the minus strand). VCF-style: chr16-2106212-A-G. GRCh37 (hg19) VCF-style: chr16-2156213-A-G.
Other names: c.7582T>C, p.Tyr2528His (NM_000296.4); short protein forms Y2528H.
Identifiers: ClinVar variation 4082938 (VCV004082938.1).

ClinVar aggregate classification (germline): Uncertain significance (1 of 4 stars; one submission).

gnomAD v4.1: 1 of 1,610,160 alleles (0.000062%); highest among the groups gnomAD compares: Admixed American, 0.0017%; no homozygotes.

Submission:

GeneDx
Classification: Uncertain significance. Last evaluated: 2025-03-11. Review status: criteria provided, single submitter. Criteria: GeneDx Variant Classification Process June 2021. Collection method: clinical testing. Allele origin: germline. Affected: yes.
Comment: Not observed at significant frequency in large population cohorts (gnomAD); In silico analysis supports that this missense variant has a deleterious effect on protein structure/function; Has not been previously published as pathogenic or benign to our knowledge